The following is an entry in ClinVar:

ClinVar aggregate classification (germline): Pathogenic. Review status: reviewed by expert panel (3 of 4 stars). 9 submissions from 9 submitters: Pathogenic (1). 8 of the submissions do not count toward it. Last evaluated 2016-09-08.

Conditions:
Hereditary cancer-predisposing syndrome. Also called: Tumor predisposition; Neoplastic Syndromes, Hereditary; Hereditary Cancer Syndrome; Hereditary neoplastic syndrome. Identifiers: Orphanet 140162, MedGen C0027672, MeSH D009386, MONDO:0015356.
Hereditary breast ovarian cancer syndrome. Also called: Hereditary breast and ovarian cancer syndrome (HBOC); Hereditary breast and ovarian cancer syndrome; Hereditary breast and ovarian cancer; Hereditary breast and/or ovarian cancer syndrome; Breast and ovarian cancer; BRCA1- and BRCA2-Associated Hereditary Breast and Ovarian Cancer. Identifiers: Orphanet 145, MedGen C0677776, MeSH D061325, MONDO:0003582. Disease mechanism: loss of function.
Breast-ovarian cancer, familial, susceptibility to, 1 (BROVCA1). Also called: OVARIAN CANCER, SUSCEPTIBILITY TO; BRCA1 Hereditary Breast and Ovarian Cancer. Identifiers: Orphanet 145, MedGen C2676676, MONDO:0011450, OMIM 604370. Disease mechanism: loss of function.

Submissions (9):

Evidence-based Network for the Interpretation of Germline Mutant Alleles (ENIGMA)
Classification: Pathogenic for Breast-ovarian cancer, familial, susceptibility to, 1. Last evaluated: 2016-09-08. Review status: reviewed by expert panel. Criteria: ENIGMA BRCA1/2 Classification Criteria (2015). Collection method: curation. Allele origin: germline.
Comment: Variant allele predicted to encode a truncated non-functional protein.

Labcorp Genetics (formerly Invitae), Labcorp
Classification: Pathogenic for Hereditary breast ovarian cancer syndrome. Last evaluated: 2024-04-08. Review status: criteria provided, single submitter. Criteria: Invitae Variant Classification Sherloc (09022015). Collection method: clinical testing. Allele origin: germline. Not counted in ClinVar's aggregate classification.
Comment: This sequence change creates a premature translational stop signal (p.Gln1111Alafs*4) in the BRCA1 gene. It is expected to result in an absent or disrupted protein product. Loss-of-function variants in BRCA1 are known to be pathogenic (PMID: 20104584). This variant is not present in population databases (gnomAD no frequency). This premature translational stop signal has been observed in individual(s) with breast cancer (PMID: 8880569, 28724667). This variant is also known as 3448insA and K1110fs. ClinVar contains an entry for this variant (Variation ID: 54843). For these reasons, this variant has been classified as Pathogenic.

Clinical Genetics Laboratory, Skane University Hospital Lund
Classification: Pathogenic. Last evaluated: 2024-02-26. Review status: criteria provided, single submitter. Criteria: ACMG Guidelines, 2015. Collection method: clinical testing. Allele origin: germline. Affected: yes. Not counted in ClinVar's aggregate classification.

Ambry Genetics
Classification: Pathogenic for Hereditary cancer-predisposing syndrome. Last evaluated: 2023-08-22. Review status: criteria provided, single submitter. Criteria: Ambry Variant Classification Scheme 2023. Collection method: clinical testing. Allele origin: germline. Not counted in ClinVar's aggregate classification.
Comment: The c.3329dupA pathogenic mutation, located in coding exon 9 of the BRCA1 gene, results from a duplication of A at nucleotide position 3329, causing a translational frameshift with a predicted alternate stop codon (p.Q1111Afs*4). This alteration has been reported in one breast/ovarian cancer patient and was detected in a cohort of 8085 consecutive unselected Chinese breast cancer patients who underwent multi-gene panel testing (Garvin AM et al. J Med Genet. 1996 Sep;33(9):721-5; Sun J et al. Clin. Cancer Res., 2017 Oct;23:6113-6119). This alteration is also described as 3448insA and p.K110Kfs in the literature. This alteration is expected to result in loss of function by premature protein truncation or nonsense-mediated mRNA decay. As such, this alteration is interpreted as a disease-causing mutation.

Women's Health and Genetics/Laboratory Corporation of America, LabCorp
Classification: Pathogenic for Hereditary breast ovarian cancer syndrome. Last evaluated: 2022-03-21. Review status: criteria provided, single submitter. Criteria: LabCorp Variant Classification Summary - May 2015. Collection method: clinical testing. Allele origin: germline. Not counted in ClinVar's aggregate classification.
Comment: Variant summary: BRCA1 c.3329dupA (p.Gln1111AlafsX4) results in a premature termination codon, predicted to cause a truncation of the encoded protein or absence of the protein due to nonsense mediated decay, which are commonly known mechanisms for disease. Truncations downstream of this position have been classified as pathogenic by our laboratory. The variant was absent in 250252 control chromosomes (gnomAD). c.3329dupA has been reported in the literature in multiple individuals affected with Hereditary Breast And Ovarian Cancer Syndrome (examples: Shi_2017 and Teixeira_2018). These data indicate that the variant is very likely to be associated with disease. Six submitters including an expert panel (ENIGMA) have submitted clinical-significance assessments for this variant to ClinVar after 2014 and all classified the variant as pathogenic. Based on the evidence outlined above, the variant was classified as pathogenic.

Quest Diagnostics Nichols Institute San Juan Capistrano
Classification: Pathogenic. Last evaluated: 2016-12-31. Review status: criteria provided, single submitter. Criteria: Quest Diagnostics criteria. Collection method: clinical testing. Allele origin: germline. Not counted in ClinVar's aggregate classification.

Consortium of Investigators of Modifiers of BRCA1/2 (CIMBA), c/o University of Cambridge
Classification: Pathogenic for Breast-ovarian cancer, familial, susceptibility to, 1. Last evaluated: 2015-10-02. Review status: criteria provided, single submitter. Criteria: CIMBA Mutation Classification guidelines May 2016. Collection method: clinical testing. Allele origin: germline. Not counted in ClinVar's aggregate classification.

Counsyl
Classification: Pathogenic for Breast-ovarian cancer, familial, susceptibility to, 1. Last evaluated: 2015-12-10. Review status: no assertion criteria provided. Collection method: clinical testing. Allele origin: unknown. Not counted in ClinVar's aggregate classification.

Breast Cancer Information Core (BIC) (BRCA1)
Classification: Pathogenic for Breast-ovarian cancer, familial 1. Last evaluated: 1999-01-15. Review status: no assertion criteria provided. Collection method: clinical testing. Allele origin: germline. Affected: yes. Observed: 2 variant alleles. Not counted in ClinVar's aggregate classification.

Literature cited by the submitters: PubMed 20104584 (cited by Labcorp Genetics (formerly Invitae), Labcorp); PubMed 8880569 (cited by Labcorp Genetics (formerly Invitae), Labcorp and Counsyl); PubMed 28724667 (cited by Labcorp Genetics (formerly Invitae), Labcorp and Ambry Genetics); PubMed 28176296 (cited by Women's Health and Genetics/Laboratory Corporation of America, LabCorp); PubMed 29483665 (cited by Women's Health and Genetics/Laboratory Corporation of America, LabCorp); PubMed 21305653 (cited by Quest Diagnostics Nichols Institute San Juan Capistrano); PubMed 16835750 (cited by Counsyl).

NM_007294.4(BRCA1):c.3329dup (p.Gln1111fs)

Genes: BRCA1 (BRCA1 DNA repair associated; minus strand), LOC126862571 (BRD4-independent group 4 enhancer GRCh37_chr17:41243136-41244335; plus strand). Cytogenetic location: 17q21.31.
Variant type: Duplication.
Coding change: c.3329dup on transcript NM_007294.4 (MANE Select); coding-DNA position 3329, one base duplicated (A; older notation c.3329dupA).
Protein change: p.Gln1111fs; shifts the reading frame from glutamine 1111.
Molecular consequence: frameshift variant. On other transcripts: intron variant (137).
Genome position (GRCh38, 1-based): chr17:43,092,202, T duplicated on the plus strand (A on the coding strand, the reverse complement: BRCA1 is on the minus strand); the first of 6 consecutive T bases (chr17:43,092,202-43,092,207); duplicating any one gives the same sequence. VCF-style (leftmost placement, unchanged base first): chr17-43092201-C-CT. GRCh37 (hg19) VCF-style: chr17-41244218-C-CT.
Other names: 3448insA; c.3329dupA (NM_007294.3); c.407-1170dup (NM_001408510.1); c.644-1170dup (NM_001408470.1, NM_001408464.1, NM_001408468.1 and 3 more transcripts); c.647-1170dup (NM_001408469.1, NM_001408453.1, NM_001408461.1 and 11 more transcripts); c.785-1170dup (NM_001408397.1, NM_001408401.1, NM_001408396.1 and 13 more transcripts); c.665-1170dup (NM_001408436.1, NM_001408444.1, NM_001408438.1 and 12 more transcripts); c.788-1170dup (NM_001407980.1, NM_001407993.1, NM_001407976.1 and 17 more transcripts); and 43 more; short protein forms Q1064fs, Q1111fs, Q1000fs, Q1022fs, Q1041fs, Q1063fs, Q1044fs, Q1085fs.
Identifiers: ClinVar variation 54843 (VCV000054843.21), dbSNP rs80357575, ClinGen allele CA002151.